The following is an entry in ClinVar:

ClinVar aggregate classification (germline): Pathogenic (1 of 4 stars; one submission).

Conditions:
Duchenne muscular dystrophy (DMD). Also called: MUSCULAR DYSTROPHY, PSEUDOHYPERTROPHIC PROGRESSIVE, DUCHENNE TYPE; Duchenne Muscular Dystrophy (DMD). Identifiers: Orphanet 98896, MedGen C0013264, MONDO:0010679, OMIM 310200.

Submission:

Labcorp Genetics (formerly Invitae), Labcorp
Classification: Pathogenic for Duchenne muscular dystrophy. Last evaluated: 2020-09-09. Review status: criteria provided, single submitter. Criteria: Invitae Variant Classification Sherloc (09022015). Collection method: clinical testing. Allele origin: germline.
Comment: This variant is an out-of-frame deletion of the genomic region encompassing exons 51-53 of the DMD gene. This is expected to create a premature translational stop signal and result in an absent or disrupted protein product. This variant has been reported in several individuals affected with DMD-related dystrophinopathies (PMID: 22090376, 23299919, 11409318, 24099565, 18663755). Loss-of-function variants in DMD are known to be pathogenic (PMID: 16770791, 25007885). For these reasons, this variant has been classified as Pathogenic.

Literature cited by the submitters: PubMed 22090376; PubMed 23299919; PubMed 11409318; PubMed 24099565; PubMed 18663755; PubMed 16770791; PubMed 25007885.

NC_000023.10:g.(?_31697482)_(31792319_?)del

Gene: DMD (dystrophin; minus strand). Cytogenetic location: Xp21.1.
Variant type: Deletion.
Identifiers: ClinVar variation 1070272 (VCV001070272.1).